The following is an entry in ClinVar:

NM_005899.5(NBR1):c.2482G>A (p.Val828Ile)

Gene: NBR1 (NBR1 autophagy cargo receptor; plus strand). Cytogenetic location: 17q21.31.
Variant type: single nucleotide variant.
Coding change: c.2482G>A on transcript NM_005899.5 (MANE Select); coding-DNA position 2482, G replaced by A.
Protein change: p.Val828Ile; replaces valine 828 with isoleucine.
Molecular consequence: missense variant.
Genome position (GRCh38, 1-based): chr17:43,201,699, G>A. VCF-style: chr17-43201699-G-A. GRCh37 (hg19) VCF-style: chr17-41353716-G-A.
Other names: c.2482G>A, p.Val828Ile (NM_001291571.2, NM_031862.4); c.2419G>A, p.Val807Ile (NM_001291572.2); short protein forms V828I, V807I.
Identifiers: ClinVar variation 1973009 (VCV001973009.5), dbSNP rs11538738, ClinGen allele CA399693539.
Genomic context (GRCh38, chr17:43,201,699, plus strand): 5'-CATAAGTGCCTTTTCAATTTACTTTCCATATTGTGTCTTTCTGAAAGGAGCTCTCCTTGT[G>A]TACATCATCATGGTTCCCCAGGAGTGGATTTACCAGTTACCATACCAGAAGTTTCTTCAG-3'
Protein context (NP_005890.2, residues 818-838): PPSLPRSSPC[Val828Ile]HHHGSPGVDL

ClinVar aggregate classification (germline): Uncertain significance (1 of 4 stars; one submission).

Submission:

Labcorp Genetics (formerly Invitae), Labcorp
Classification: Uncertain significance. Last evaluated: 2022-04-07. Review status: criteria provided, single submitter. Criteria: Invitae Variant Classification Sherloc (09022015). Collection method: clinical testing. Allele origin: germline.
Comment: In summary, the available evidence is currently insufficient to determine the role of this variant in disease. Therefore, it has been classified as a Variant of Uncertain Significance. Algorithms developed to predict the effect of missense changes on protein structure and function (SIFT, PolyPhen-2, Align-GVGD) all suggest that this variant is likely to be tolerated. This variant has not been reported in the literature in individuals affected with NBR1-related conditions. This variant is not present in population databases (gnomAD no frequency). This sequence change replaces valine, which is neutral and non-polar, with isoleucine, which is neutral and non-polar, at codon 828 of the NBR1 protein (p.Val828Ile).